The following is an entry in ClinVar:

NM_005076.5(CNTN2):c.1699G>T (p.Glu567Ter)

Gene: CNTN2 (contactin 2; plus strand). Cytogenetic location: 1q32.1.
Variant type: single nucleotide variant.
Coding change: c.1699G>T on transcript NM_005076.5 (MANE Select); coding-DNA position 1699, G replaced by T.
Protein change: p.Glu567Ter; replaces glutamic acid 567 with a stop codon.
Molecular consequence: nonsense. On other transcripts: non-coding transcript variant (1).
Genome position (GRCh38, 1-based): chr1:205,065,792, G>T. VCF-style: chr1-205065792-G-T. GRCh37 (hg19) VCF-style: chr1-205034920-G-T.
Other names: c.1699G>T, p.Glu567Ter (NM_001346083.2); short protein forms E567*.
Identifiers: ClinVar variation 1526248 (VCV001526248.4), dbSNP rs867618155, ClinGen allele CA344375675.

ClinVar aggregate classification (germline): Pathogenic. Review status: criteria provided, single submitter (1 of 4 stars). 3 submissions from 3 submitters: Pathogenic (1). 2 of the submissions do not count toward it. Last evaluated 2022-03-22.

Conditions:
Epilepsy, familial adult myoclonic, 5 (EPEO5). Also called: CORTICAL MYOCLONIC TREMOR WITH EPILEPSY, FAMILIAL, 5. Identifiers: Orphanet 86814, MedGen C3809374, MONDO:0014167, OMIM 615400.

Allele frequency attached by ClinVar (database versions not stated): gnomAD exomes 0.00001.
gnomAD v4.1: 3 of 1,325,980 alleles (0.00023%); highest among the groups gnomAD compares: South Asian, 0.0034%; no homozygotes.

Submissions (3):

3billion
Classification: Pathogenic for Epilepsy, familial adult myoclonic, 5. Last evaluated: 2022-03-22. Review status: criteria provided, single submitter. Criteria: ACMG Guidelines, 2015. Collection method: clinical testing. Allele origin: germline. Affected: yes. Observed: 1 homozygote.
Comment: Stop-gained (nonsense): predicted to result in a loss or disruption of normal protein function through nonsense-mediated decay (NMD) or protein truncation. Multiple pathogenic variants are reported downstream of the variant.It is not observed in the gnomAD v2.1.1 dataset. Therefore, this variant is classified as pathogenic according to the recommendation of ACMG/AMP guideline.

OMIM
Classification: Pathogenic for EPILEPSY, EARLY-ONSET, 5, WITH DEVELOPMENTAL DELAY. Last evaluated: 2024-04-25. Review status: no assertion criteria provided. Collection method: literature only. Allele origin: germline. Not counted in ClinVar's aggregate classification.

Rare Genetic Disease Lab, Dept of Zoology, Government Postgraduate College Dargai Malakand, Higher Education Govt. of Khyber Pakhtunkhwa
Classification: Pathogenic for Epilepsy, familial adult myoclonic, 5. Last evaluated: 2023-02-06. Review status: no assertion criteria provided. Criteria: ACMG Guidelines, 2015. Collection method: research. Allele origin: germline. Inheritance: Autosomal recessive inheritance. Affected: yes. Observed: 5 variant alleles, 2 heterozygotes, 3 homozygotes. Not counted in ClinVar's aggregate classification.

Literature cited by the submitters: PubMed 37359369 (cited by OMIM); Hamosh, A. Personal Communication. 2024. Baltimore, Md. (cited by OMIM).